The following is an entry in ClinVar:

ClinVar aggregate classification (germline): Uncertain significance. Review status: criteria provided, multiple submitters, no conflicts (2 of 4 stars). 2 submissions from 2 submitters: Uncertain significance (2). Last evaluated 2024-09-13.

Conditions:
MHC class I deficiency. Identifiers: Orphanet 34592, MedGen C6024714, MONDO:0011476.

Allele frequency attached by ClinVar (database versions not stated): gnomAD exomes 0.00003; ExAC 0.00004; TOPMed 0.00009; gnomAD 0.00013 and 0.00014.

Submissions (2):

Blueprint Genetics
Classification: Uncertain significance. Last evaluated: 2024-09-13. Review status: criteria provided, single submitter. Criteria: ACMG Guidelines, 2015. Collection method: clinical testing. Allele origin: germline.

Labcorp Genetics (formerly Invitae), Labcorp
Classification: Uncertain significance for MHC class I deficiency 1. Last evaluated: 2022-09-07. Review status: criteria provided, single submitter. Criteria: Invitae Variant Classification Sherloc (09022015). Collection method: clinical testing. Allele origin: germline.
Comment: This sequence change replaces proline, which is neutral and non-polar, with serine, which is neutral and polar, at codon 67 of the TAP1 protein (p.Pro67Ser). This variant is present in population databases (rs375389015, gnomAD 0.02%). This variant has not been reported in the literature in individuals affected with TAP1-related conditions. ClinVar contains an entry for this variant (Variation ID: 582649). Algorithms developed to predict the effect of missense changes on protein structure and function are either unavailable or do not agree on the potential impact of this missense change (SIFT: "Deleterious"; PolyPhen-2: "Benign"; Align-GVGD: "Class C0"). In summary, the available evidence is currently insufficient to determine the role of this variant in disease. Therefore, it has been classified as a Variant of Uncertain Significance.

NM_000593.6(TAP1):c.19C>T (p.Pro7Ser)

Gene: TAP1 (transporter 1, ATP binding cassette subfamily B member; minus strand). Cytogenetic location: 6p21.32.
Variant type: single nucleotide variant.
Coding change: c.19C>T on transcript NM_000593.6 (MANE Select); coding-DNA position 19, C replaced by T.
Protein change: p.Pro7Ser; replaces proline 7 with serine.
Molecular consequence: missense variant.
Genome position (GRCh38, 1-based): chr6:32,853,618, G>A on the plus strand (C>T on the coding strand, the complement: TAP1 is on the minus strand). VCF-style: chr6-32853618-G-A. GRCh37 (hg19) VCF-style: chr6-32821395-G-A.
Other names: short protein forms P67S, P7S.
Identifiers: ClinVar variation 582649 (VCV000582649.8), dbSNP rs375389015, ClinGen allele CA3747082.